The following is an entry in ClinVar:

NM_000452.3(SLC10A2):c.107C>T (p.Thr36Met)

Gene: SLC10A2 (solute carrier family 10 member 2; minus strand). Cytogenetic location: 13q33.1.
Variant type: single nucleotide variant.
Coding change: c.107C>T on transcript NM_000452.3 (MANE Select); coding-DNA position 107, C replaced by T.
Protein change: p.Thr36Met; replaces threonine 36 with methionine.
Molecular consequence: missense variant.
Genome position (GRCh38, 1-based): chr13:103,066,143, G>A on the plus strand (C>T on the coding strand, the complement: SLC10A2 is on the minus strand). VCF-style: chr13-103066143-G-A. GRCh37 (hg19) VCF-style: chr13-103718493-G-A.
Other names: c.107C>T (NM_000452.2); short protein forms T36M.
Identifiers: ClinVar variation 3713146 (VCV003713146.3).

ClinVar aggregate classification (germline): Uncertain significance. Review status: criteria provided, multiple submitters, no conflicts (2 of 4 stars). 2 submissions from 2 submitters: Uncertain significance (2). Last evaluated 2026-07-24.

Conditions:
SLC10A2-related disorder. Also called: SLC10A2-related condition.

gnomAD v4.1: 36 of 1,613,904 alleles (0.0022%); highest among the groups gnomAD compares: South Asian, 0.0033%; no homozygotes.

Submissions (2):

PreventionGenetics, part of Exact Sciences
Classification: Uncertain significance for SLC10A2-related condition. Last evaluated: 2026-07-24. Review status: criteria provided, single submitter. Criteria: ACMG Guidelines, 2015. Collection method: clinical testing. Allele origin: germline.
Comment: The SLC10A2 c.107C>T variant is predicted to result in the amino acid substitution p.Thr36Met. To our knowledge, this variant has not been reported in the literature in individuals with SLC10A2-related disorders. This variant is reported in 0.0033% of alleles in individuals of South Asian descent in gnomAD. At this time, the clinical significance of this variant is uncertain due to the absence of conclusive functional and genetic evidence.

Labcorp Genetics (formerly Invitae), Labcorp
Classification: Uncertain significance. Last evaluated: 2025-05-12. Review status: criteria provided, single submitter. Criteria: Invitae Variant Classification Sherloc (09022015). Collection method: clinical testing. Allele origin: germline.
Comment: This sequence change replaces threonine, which is neutral and polar, with methionine, which is neutral and non-polar, at codon 36 of the SLC10A2 protein (p.Thr36Met). This variant is present in population databases (rs200854966, gnomAD 0.003%). This variant has not been reported in the literature in individuals affected with SLC10A2-related conditions. ClinVar contains an entry for this variant (Variation ID: 3713146). Invitae Evidence Modeling of protein sequence and biophysical properties (such as structural, functional, and spatial information, amino acid conservation, physicochemical variation, residue mobility, and thermodynamic stability) indicates that this missense variant is not expected to disrupt SLC10A2 protein function with a negative predictive value of 80%. In summary, the available evidence is currently insufficient to determine the role of this variant in disease. Therefore, it has been classified as a Variant of Uncertain Significance.